The following is an entry in ClinVar:

ClinVar aggregate classification (germline): Uncertain significance (1 of 4 stars; one submission).

Conditions:
Cardiomyopathy (CMYO). Also called: Cardiomyopathies. Identifiers: Orphanet 167848, MedGen C0878544, MONDO:0004994, HP:0001638. Inheritance: Various modes of inheritance.

Submission:

Color Diagnostics, LLC DBA Color Health
Classification: Uncertain significance for Cardiomyopathy. Last evaluated: 2023-12-11. Review status: criteria provided, single submitter. Criteria: ACMG Guidelines, 2015. Collection method: clinical testing. Allele origin: germline.
Comment: This missense variant replaces aspartic acid with alanine at codon 4456 of the RYR2 protein. Computational prediction suggests that this variant may not impact protein structure and function (internally defined REVEL score threshold <= 0.5, PMID: 27666373). To our knowledge, functional studies have not been reported for this variant. This variant has not been reported in individuals affected with RYR2-related disorders in the literature. This variant has not been identified in the general population by the Genome Aggregation Database (gnomAD). The available evidence is insufficient to determine the role of this variant in disease conclusively. Therefore, this variant is classified as a Variant of Uncertain Significance.

NM_001035.3(RYR2):c.13367A>C (p.Asp4456Ala)

Gene: RYR2 (ryanodine receptor 2; plus strand). Cytogenetic location: 1q43.
Variant type: single nucleotide variant.
Coding change: c.13367A>C on transcript NM_001035.3 (MANE Select); coding-DNA position 13367, A replaced by C.
Protein change: p.Asp4456Ala; replaces aspartic acid 4456 with alanine.
Molecular consequence: missense variant.
Genome position (GRCh38, 1-based): chr1:237,788,026, A>C. VCF-style: chr1-237788026-A-C. GRCh37 (hg19) VCF-style: chr1-237951326-A-C.
Other names: short protein forms D4456A.
Identifiers: ClinVar variation 2774405 (VCV002774405.2), dbSNP rs2527855183, ClinGen allele CA345416438.